The following is an entry in ClinVar:

NM_000553.6(WRN):c.1133T>C (p.Val378Ala)

Gene: WRN (WRN RecQ like helicase; plus strand). Cytogenetic location: 8p12.
Variant type: single nucleotide variant.
Coding change: c.1133T>C on transcript NM_000553.6 (MANE Select); coding-DNA position 1133, T replaced by C.
Protein change: p.Val378Ala; replaces valine 378 with alanine.
Molecular consequence: missense variant.
Genome position (GRCh38, 1-based): chr8:31,081,160, T>C. VCF-style: chr8-31081160-T-C. GRCh37 (hg19) VCF-style: chr8-30938676-T-C.
Other names: short protein forms V378A.
Identifiers: ClinVar variation 576998 (VCV000576998.6), dbSNP rs1563338901, ClinGen allele CA370920888.

ClinVar aggregate classification (germline): Uncertain significance (1 of 4 stars; one submission).

Conditions:
Werner syndrome (WRN). Identifiers: Orphanet 902, MedGen C0043119, MONDO:0010196, OMIM 277700.

Allele frequency attached by ClinVar (database versions not stated): gnomAD exomes 0.00001.

Submission:

Labcorp Genetics (formerly Invitae), Labcorp
Classification: Uncertain significance for Werner syndrome. Last evaluated: 2023-09-03. Review status: criteria provided, single submitter. Criteria: Invitae Variant Classification Sherloc (09022015). Collection method: clinical testing. Allele origin: germline.
Comment: In summary, the available evidence is currently insufficient to determine the role of this variant in disease. Therefore, it has been classified as a Variant of Uncertain Significance. Algorithms developed to predict the effect of missense changes on protein structure and function output the following: SIFT: "Not Available"; PolyPhen-2: "Benign"; Align-GVGD: "Not Available". The alanine amino acid residue is found in multiple mammalian species, which suggests that this missense change does not adversely affect protein function. ClinVar contains an entry for this variant (Variation ID: 576998). This variant has not been reported in the literature in individuals affected with WRN-related conditions. This variant is not present in population databases (gnomAD no frequency). This sequence change replaces valine, which is neutral and non-polar, with alanine, which is neutral and non-polar, at codon 378 of the WRN protein (p.Val378Ala).